The following is an entry in ClinVar:

ClinVar aggregate classification (germline): Uncertain significance (1 of 4 stars; one submission).

Allele frequency attached by ClinVar (database versions not stated): gnomAD exomes 0.00001.
gnomAD v4.1: 4 of 1,613,406 alleles (0.00025%); highest among the groups gnomAD compares: Non-Finnish European, 0.00025%; no homozygotes.

Submission:

GeneDx
Classification: Uncertain significance. Last evaluated: 2023-03-31. Review status: criteria provided, single submitter. Criteria: GeneDx Variant Classification Process June 2021. Collection method: clinical testing. Allele origin: germline. Affected: yes.
Comment: Not observed at significant frequency in large population cohorts (gnomAD); In silico analysis supports that this missense variant does not alter protein structure/function; Has not been previously published as pathogenic or benign to our knowledge

NM_145331.3(MAP3K7):c.1426A>G (p.Thr476Ala)

Gene: MAP3K7 (mitogen-activated protein kinase kinase kinase 7; minus strand). Cytogenetic location: 6q15.
Variant type: single nucleotide variant.
Coding change: c.1426A>G on transcript NM_145331.3 (MANE Select); coding-DNA position 1426, A replaced by G.
Protein change: p.Thr476Ala; replaces threonine 476 with alanine.
Molecular consequence: missense variant.
Genome position (GRCh38, 1-based): chr6:90,523,714, T>C on the plus strand (A>G on the coding strand, the complement: MAP3K7 is on the minus strand). VCF-style: chr6-90523714-T-C. GRCh37 (hg19) VCF-style: chr6-91233433-T-C.
Other names: c.1345A>G, p.Thr449Ala (NM_003188.4, NM_145333.3); c.1426A>G, p.Thr476Ala (NM_145332.3); short protein forms T449A, T476A.
Identifiers: ClinVar variation 2582212 (VCV002582212.1), dbSNP rs1582161840, ClinGen allele CA365004488.